The following is an entry in ClinVar:

NC_000002.12:g.(?_108719587)_(108963283_?)del

Genes: CCDC138 (coiled-coil domain containing 138; plus strand), EDAR (ectodysplasin A receptor; minus strand), RANBP2 (RAN binding protein 2; plus strand), LOC129388897 (MPRA-validated peak3811 silencer; plus strand), LOC129388898 (MPRA-validated peak3812 silencer; plus strand) and 2 more. Cytogenetic location: 2q13.
Variant type: Deletion.
Identifiers: ClinVar variation 584060 (VCV000584060.3).

ClinVar aggregate classification (germline): Uncertain significance (1 of 4 stars; one submission).

Conditions:
Familial acute necrotizing encephalopathy (IIAE3). Also called: ENCEPHALOPATHY, ACUTE, INFECTION-INDUCED, SUSCEPTIBILITY TO, 3; Susceptibility to Acute Necrotizing Encephalopathy 1. Identifiers: Orphanet 88619, MedGen C2675556, MONDO:0011953, OMIM 608033.

Submission:

Labcorp Genetics (formerly Invitae), Labcorp
Classification: Uncertain significance for Familial acute necrotizing encephalopathy. Last evaluated: 2022-11-03. Review status: criteria provided, single submitter. Criteria: Invitae Variant Classification Sherloc (09022015). Collection method: clinical testing. Allele origin: germline.
Comment: A gross deletion of the genomic region encompassing the full coding sequence of the RANBP2 gene has been identified. The current clinical and genetic evidence is not sufficient to establish whether loss-of-function variants in RANBP2 cause disease. The boundaries of this event are unknown as they extend beyond the assayed region for this gene and therefore may encompass additional genes. This variant has not been reported in the literature in individuals affected with RANBP2-related conditions. In summary, the available evidence is currently insufficient to determine the role of this variant in disease. Therefore, it has been classified as a Variant of Uncertain Significance.